The following is an entry in ClinVar:

NM_002292.4(LAMB2):c.1977C>T (p.Pro659=)

Gene: LAMB2 (laminin subunit beta 2; minus strand). Cytogenetic location: 3p21.31.
Variant type: single nucleotide variant.
Coding change: c.1977C>T on transcript NM_002292.4 (MANE Select); coding-DNA position 1977, C replaced by T.
Protein change: p.Pro659=; no amino-acid change (proline 659 retained).
Molecular consequence: synonymous variant.
Genome position (GRCh38, 1-based): chr3:49,128,499, G>A on the plus strand (C>T on the coding strand, the complement: LAMB2 is on the minus strand). VCF-style: chr3-49128499-G-A. GRCh37 (hg19) VCF-style: chr3-49165932-G-A.
Identifiers: ClinVar variation 4822855 (VCV004822855.4).

ClinVar aggregate classification (germline): Likely benign (1 of 4 stars; one submission).

gnomAD v4.1: 7 of 1,613,978 alleles (0.00043%); highest among the groups gnomAD compares: Admixed American, 0.0017%; no homozygotes.

Submission:

CeGaT Center for Human Genetics Tuebingen
Classification: Likely benign. Last evaluated: 2026-01-01. Review status: criteria provided, single submitter. Criteria: CeGaT Center For Human Genetics Tuebingen Variant Classification Criteria Version 2. Collection method: clinical testing. Allele origin: germline. Affected: yes. Observed: 1 variant allele.
Comment: LAMB2: BP4, BP7